The following is an entry in ClinVar:

ClinVar aggregate classification (germline): Uncertain significance (1 of 4 stars; one submission).

Conditions:
Adenylosuccinate lyase deficiency (ADSLD). Also called: ADSL DEFICIENCY. Identifiers: Orphanet 46, MedGen C0268126, MONDO:0007068, OMIM 103050.

Submission:

MGZ Medical Genetics Center
Classification: Uncertain significance for Adenylosuccinate lyase deficiency. Last evaluated: 2021-08-04. Review status: criteria provided, single submitter. Criteria: ACMG Guidelines, 2015. Collection method: clinical testing. Allele origin: germline. Affected: yes. Observed: 1 variant allele.
Comment: ACMG criteria applied: PM2_SUP, PM3_SUP, PP3

NM_000026.4(ADSL):c.449C>G (p.Ala150Gly)

Gene: ADSL (adenylosuccinate lyase; plus strand). Cytogenetic location: 22q13.1.
Variant type: single nucleotide variant.
Coding change: c.449C>G on transcript NM_000026.4 (MANE Select); coding-DNA position 449, C replaced by G.
Protein change: p.Ala150Gly; replaces alanine 150 with glycine.
Molecular consequence: missense variant. On other transcripts: non-coding transcript variant (1).
Genome position (GRCh38, 1-based): chr22:40,354,294, C>G. VCF-style: chr22-40354294-C-G. GRCh37 (hg19) VCF-style: chr22-40750298-C-G.
Other names: c.449C>G, p.Ala150Gly (NM_001123378.3, NM_001363840.3, NM_001410812.1 and 1 more transcripts); c.257C>G, p.Ala86Gly (NM_001317923.2); c.404C>G, p.Ala135Gly (NM_001410814.1); short protein forms A135G, A150G, A86G.
Identifiers: ClinVar variation 1709890 (VCV001709890.2), dbSNP rs2518100296, ClinGen allele CA411639061.